The following is an entry in ClinVar:

ClinVar aggregate classification (germline): Likely benign (1 of 4 stars; one submission).

Submission:

CeGaT Center for Human Genetics Tuebingen
Classification: Likely benign. Last evaluated: 2026-06-01. Review status: criteria provided, single submitter. Criteria: CeGaT Center For Human Genetics Tuebingen Variant Classification Criteria Version 2. Collection method: clinical testing. Allele origin: germline. Affected: yes. Observed: 1 variant allele.
Comment: MDC1: BP4, BP7

NM_014641.3(MDC1):c.3735C>T (p.Pro1245=)

Genes: MDC1 (mediator of DNA damage checkpoint 1; minus strand), MDC1-AS1 (MDC1 antisense RNA 1; plus strand). Cytogenetic location: 6p21.33.
Variant type: single nucleotide variant.
Coding change: c.3735C>T on transcript NM_014641.3 (MANE Select); coding-DNA position 3735, C replaced by T.
Protein change: p.Pro1245=; no amino-acid change (proline 1245 retained).
Molecular consequence: synonymous variant.
Genome position (GRCh38, 1-based): chr6:30,705,448, G>A on the plus strand (C>T on the coding strand, the complement: MDC1 is on the minus strand). VCF-style: chr6-30705448-G-A. GRCh37 (hg19) VCF-style: chr6-30673225-G-A.
Identifiers: ClinVar variation 4873354 (VCV004873354.2).
Genomic context (GRCh38, chr6:30,705,448, plus strand): 5'-TGTGGGCTCAGAAGTGACAGGCTGGTCTGTGGAGGTGGAAGGCTGGAGCTCAGGGGCTGT[G>A]GGGACAACTGGTTCAGGGGTCTTGACAGAGGATCTATTTTTTCTTCCCCTAGTAGCCTGA-3'
Protein context (NP_055456.2, residues 1235-1255): SSVKTPEPVV[Pro1245=]TAPELQPSTS